The following is an entry in ClinVar:

NM_007074.4(CORO1A):c.689C>T (p.Ser230Leu)

Genes: CORO1A (coronin 1A; plus strand), LOC121587541 (Sharpr-MPRA regulatory region 7413; plus strand). Cytogenetic location: 16p11.2.
Variant type: single nucleotide variant.
Coding change: c.689C>T on transcript NM_007074.4 (MANE Select); coding-DNA position 689, C replaced by T.
Protein change: p.Ser230Leu; replaces serine 230 with leucine.
Molecular consequence: missense variant.
Genome position (GRCh38, 1-based): chr16:30,187,434, C>T. VCF-style: chr16-30187434-C-T. GRCh37 (hg19) VCF-style: chr16-30198755-C-T.
Other names: c.689C>T, p.Ser230Leu (NM_001193333.3); short protein forms S230L.
Identifiers: ClinVar variation 934888 (VCV000934888.1), dbSNP rs754616768, ClinGen allele CA8003215.
Genomic context (GRCh38, chr16:30,187,434, plus strand): 5'-CCTTGCAGGAGAAGGACCGTCCCCACGAGGGGACCCGGCCCGTGCGTGCAGTGTTCGTGT[C>T]GGAGGGGAAGATCCTGACCACGGGCTTCAGCCGCATGAGTGAGCGGCAGGTGGCGCTGTG-3'
Protein context (NP_009005.1, residues 220-240): GTRPVRAVFV[Ser230Leu]EGKILTTGFS

ClinVar aggregate classification (germline): Uncertain significance (1 of 4 stars; one submission).

Conditions:
Severe combined immunodeficiency due to CORO1A deficiency. Also called: Immunodeficiency 8; IMMUNODEFICIENCY 8 WITH LYMPHOPROLIFERATION. Identifiers: Orphanet 228003, MedGen C3809383, MONDO:0014168, OMIM 615401.

Allele frequency attached by ClinVar (database versions not stated): gnomAD exomes 0.00001; ExAC 0.00001.

Submission:

Labcorp Genetics (formerly Invitae), Labcorp
Classification: Uncertain significance for Immunodeficiency 8. Last evaluated: 2019-09-30. Review status: criteria provided, single submitter. Criteria: Invitae Variant Classification Sherloc (09022015). Collection method: clinical testing. Allele origin: germline.
Comment: This sequence change replaces serine with leucine at codon 230 of the CORO1A protein (p.Ser230Leu). The serine residue is moderately conserved and there is a large physicochemical difference between serine and leucine. This variant is present in population databases (rs754616768, ExAC 0.002%). This variant has not been reported in the literature in individuals with CORO1A-related conditions. Algorithms developed to predict the effect of missense changes on protein structure and function (SIFT, PolyPhen-2, Align-GVGD) all suggest that this variant is likely to be tolerated, but these predictions have not been confirmed by published functional studies and their clinical significance is uncertain. In summary, the available evidence is currently insufficient to determine the role of this variant in disease. Therefore, it has been classified as a Variant of Uncertain Significance.